The following is an entry in ClinVar:

ClinVar aggregate classification (germline): Benign (1 of 4 stars; one submission).

Allele frequency attached by ClinVar (database versions not stated): 1000 Genomes Project 0.31849; gnomAD 0.32042 and 0.31545; TOPMed 0.32163; 1000 Genomes Project 30x 0.32636.
gnomAD v4.1: 47,927 of 151,942 alleles (32%); highest among the groups gnomAD compares: African/African-American, 48%; 8,415 homozygotes.

Submission:

GeneDx
Classification: Benign. Last evaluated: 2018-06-14. Review status: criteria provided, single submitter. Criteria: GeneDx Variant Classification (06012015). Collection method: clinical testing. Allele origin: germline. Affected: yes.
Comment: This variant is considered likely benign or benign based on one or more of the following criteria: it is a conservative change, it occurs at a poorly conserved position in the protein, it is predicted to be benign by multiple in silico algorithms, and/or has population frequency not consistent with disease.

NM_001377.3(DYNC2H1):c.503-198T>C

Gene: DYNC2H1 (dynein cytoplasmic 2 heavy chain 1; plus strand). Cytogenetic location: 11q22.3.
Variant type: single nucleotide variant.
Coding change: c.503-198T>C on transcript NM_001377.3 (MANE Select); 198 bases into the intron before coding-DNA position 503, T replaced by C.
Molecular consequence: intron variant.
Genome position (GRCh38, 1-based): chr11:103,114,979, T>C. VCF-style: chr11-103114979-T-C. GRCh37 (hg19) VCF-style: chr11-102985708-T-C.
Other names: c.503-198T>C (NM_001080463.2).
Identifiers: ClinVar variation 667688 (VCV000667688.1), dbSNP rs2513991, ClinGen allele CA16427883.